The following is an entry in ClinVar:

ClinVar aggregate classification (germline): Likely benign (1 of 4 stars; one submission).

Allele frequency attached by ClinVar (database versions not stated): gnomAD 0.00048; gnomAD exomes 0.00058; ExAC 0.00083; ESP Exome Variant Server 0.00110; 1000 Genomes Project 30x 0.00078; 1000 Genomes Project 0.00080; TOPMed 0.00049.
gnomAD v4.1: 881 of 1,551,694 alleles (0.057%); highest among the groups gnomAD compares: Middle Eastern, 0.15%; 2 homozygotes.

Submission:

CeGaT Center for Human Genetics Tuebingen
Classification: Likely benign. Last evaluated: 2023-03-01. Review status: criteria provided, single submitter. Criteria: CeGaT Center For Human Genetics Tuebingen Variant Classification Criteria Version 2. Collection method: clinical testing. Allele origin: germline. Affected: yes. Observed: 1 variant allele.
Comment: C8orf48: BP4, BS2

NM_001007090.3(C8orf48):c.656A>C (p.Lys219Thr)

Genes: C8orf48 (chromosome 8 open reading frame 48; plus strand), DLC1 (DLC1 Rho GTPase activating protein; minus strand). Cytogenetic location: 8p22.
Variant type: single nucleotide variant.
Coding change: c.656A>C on transcript NM_001007090.3 (MANE Select); coding-DNA position 656, A replaced by C.
Protein change: p.Lys219Thr; replaces lysine 219 with threonine.
Molecular consequence: missense variant. On other transcripts: intron variant (2).
Genome position (GRCh38, 1-based): chr8:13,567,647, A>C. VCF-style: chr8-13567647-A-C. GRCh37 (hg19) VCF-style: chr8-13425156-A-C.
Other names: c.-1577+36890T>G (NM_001348082.2); c.-126+36890T>G (NM_001348081.2); short protein forms K219T.
Identifiers: ClinVar variation 2658437 (VCV002658437.22), dbSNP rs187157511, ClinGen allele CA4639685.